The following is an entry in ClinVar:

ClinVar aggregate classification (germline): Uncertain significance (1 of 4 stars; one submission).

Allele frequency attached by ClinVar (database versions not stated): gnomAD 0.00002.
gnomAD v4.1: 3 of 1,614,002 alleles (0.00019%); highest among the groups gnomAD compares: African/African-American, 0.004%; no homozygotes.

Submission:

Labcorp Genetics (formerly Invitae), Labcorp
Classification: Uncertain significance. Last evaluated: 2022-08-10. Review status: criteria provided, single submitter. Criteria: Invitae Variant Classification Sherloc (09022015). Collection method: clinical testing. Allele origin: germline.
Comment: This sequence change replaces serine, which is neutral and polar, with asparagine, which is neutral and polar, at codon 2047 of the SZT2 protein (p.Ser2047Asn). This variant is present in population databases (no rsID available, gnomAD 0.03%). This variant has not been reported in the literature in individuals affected with SZT2-related conditions. ClinVar contains an entry for this variant (Variation ID: 1357092). Algorithms developed to predict the effect of missense changes on protein structure and function are either unavailable or do not agree on the potential impact of this missense change (SIFT: "Deleterious"; PolyPhen-2: "Possibly Damaging"; Align-GVGD: "Class C0"). In summary, the available evidence is currently insufficient to determine the role of this variant in disease. Therefore, it has been classified as a Variant of Uncertain Significance.

NM_001365999.1(SZT2):c.6311G>A (p.Ser2104Asn)

Gene: SZT2 (SZT2 subunit of KICSTOR complex; plus strand). Cytogenetic location: 1p34.2.
Variant type: single nucleotide variant.
Coding change: c.6311G>A on transcript NM_001365999.1 (MANE Select); coding-DNA position 6311, G replaced by A.
Protein change: p.Ser2104Asn; replaces serine 2104 with asparagine.
Molecular consequence: missense variant.
Genome position (GRCh38, 1-based): chr1:43,437,615, G>A. VCF-style: chr1-43437615-G-A. GRCh37 (hg19) VCF-style: chr1-43903286-G-A.
Other names: c.6140G>A, p.Ser2047Asn (NM_015284.4); short protein forms S2104N, S2047N.
Identifiers: ClinVar variation 1357092 (VCV001357092.3), dbSNP rs1006061966, ClinGen allele CA21643445.